The following is an entry in ClinVar:

ClinVar aggregate classification (germline): Likely pathogenic (1 of 4 stars; one submission).

Conditions:
TH-deficient dopa-responsive dystonia. Also called: Tyrosine Hydroxylase-Deficient Dopa-Responsive Dystonia; Segawa syndrome, autosomal recessive; DYT-TH. Identifiers: Orphanet 101150, MedGen C2673535, MONDO:0011551, OMIM 605407.

Submission:

First Genomix Gene Laboratory, Genetic Diagnostics Department
Classification: Likely pathogenic for TH-deficient dopa-responsive dystonia. Last evaluated: 2025-03-21. Review status: criteria provided, single submitter. Criteria: ACMG Guidelines, 2015. Collection method: clinical testing. Allele origin: germline. Inheritance: Autosomal recessive inheritance. Affected: no. Observed: 1 variant allele.

NM_000360.4(TH):c.977+2T>C

Gene: TH (tyrosine hydroxylase; minus strand). Cytogenetic location: 11p15.5.
Variant type: single nucleotide variant.
Coding change: c.977+2T>C on transcript NM_000360.4 (MANE Select); the canonical splice donor site of the intron after coding-DNA position 977, T replaced by C.
Molecular consequence: splice donor variant. On other transcripts: intron variant (2).
Genome position (GRCh38, 1-based): chr11:2,166,631, A>G on the plus strand (T>C on the coding strand, the complement: TH is on the minus strand). VCF-style: chr11-2166631-A-G. GRCh37 (hg19) VCF-style: chr11-2187861-A-G.
Other names: c.696-82T>C (NM_001440537.1); c.1058+2T>C (NM_199293.3); c.708-82T>C (NM_001440536.1); c.989+2T>C (NM_001440535.1); c.1070+2T>C (NM_199292.3).
Identifiers: ClinVar variation 4845785 (VCV004845785.1).